The following is an entry in ClinVar:

ClinVar aggregate classification (germline): Uncertain significance (1 of 4 stars; one submission).

Conditions:
Long QT syndrome (LQTS). Identifiers: MedGen C0023976, MeSH D008133, MONDO:0002442. Disease mechanism: loss of function. Inheritance: Various modes of inheritance.

Submission:

Labcorp Genetics (formerly Invitae), Labcorp
Classification: Uncertain significance for Long QT syndrome. Last evaluated: 2025-03-18. Review status: criteria provided, single submitter. Criteria: Invitae Variant Classification Sherloc (09022015). Collection method: clinical testing. Allele origin: germline.
Comment: This sequence change creates a premature translational stop signal (p.Glu737Lysfs*19) in the AKAP9 gene. It is expected to result in an absent or disrupted protein product. However, the current clinical and genetic evidence is not sufficient to establish whether loss-of-function variants in AKAP9 cause disease. This variant is not present in population databases (gnomAD no frequency). This variant has not been reported in the literature in individuals affected with AKAP9-related conditions. In summary, the available evidence is currently insufficient to determine the role of this variant in disease. Therefore, it has been classified as a Variant of Uncertain Significance.

NM_005751.5(AKAP9):c.2208del (p.Glu737fs)

Gene: AKAP9 (A-kinase anchoring protein 9; plus strand). Cytogenetic location: 7q21.2.
Variant type: Deletion.
Coding change: c.2208del on transcript NM_005751.5 (MANE Select); coding-DNA position 2208, one base deleted (A; older notation c.2208delA).
Protein change: p.Glu737fs; shifts the reading frame from glutamic acid 737.
Molecular consequence: frameshift variant.
Genome position (GRCh38, 1-based): chr7:92,002,125, A deleted; the last of 5 consecutive A bases (chr7:92,002,121-92,002,125); deleting any one gives the same sequence. VCF-style (leftmost placement, unchanged base first): chr7-92002120-GA-G. GRCh37 (hg19) VCF-style: chr7-91631434-GA-G.
Other names: c.2208del, p.Glu737fs (NM_147185.3); short protein forms E737fs.
Identifiers: ClinVar variation 4763637 (VCV004763637.1).
Genomic context (GRCh38, chr7:92,002,120, plus strand): 5'-GAAGAAATGACTCTTCAAATCAATGAACTTCAAAAAGAAATTGAAATACTCAGACAAGAA[GA>G]AAAAGAAAAGGGTACACTTGAACAAGAAGTTCAAGAATTACAACTTAAAACAGAATTGTT-3'